The following is an entry in ClinVar:

ClinVar aggregate classification (germline): Uncertain significance. Review status: criteria provided, multiple submitters, no conflicts (2 of 4 stars). 2 submissions from 2 submitters: Uncertain significance (2). Last evaluated 2024-05-20.

Submissions (2):

GeneDx
Classification: Uncertain significance. Last evaluated: 2024-05-20. Review status: criteria provided, single submitter. Criteria: GeneDx Variant Classification Process June 2021. Collection method: clinical testing. Allele origin: germline. Affected: yes.
Comment: Not observed at significant frequency in large population cohorts (gnomAD); In-frame insertion of 1 amino acids in a repetitive region with no known function; Has not been previously published as pathogenic or benign to our knowledge

Women's Health and Genetics/Laboratory Corporation of America, LabCorp
Classification: Uncertain significance. Last evaluated: 2024-03-01. Review status: criteria provided, single submitter. Criteria: LabCorp Variant Classification Summary - May 2015. Collection method: clinical testing. Allele origin: germline.
Comment: Variant summary: RORA c.506_508dupAGC (p.Gln169dup) results in an in-frame duplication that is predicted to duplicate one amino acid into the encoded protein. The variant was absent in 251172 control chromosomes. The available data on variant occurrences in the general population are insufficient to allow any conclusion about variant significance. To our knowledge, no occurrence of c.506_508dupAGC in individuals affected with Intellectual Developmental Disorder With Or Without Epilepsy Or Cerebellar Ataxia and no experimental evidence demonstrating its impact on protein function have been reported. No submitters have cited clinical-significance assessments for this variant to ClinVar. Based on the evidence outlined above, the variant was classified as uncertain significance.

NM_134261.3(RORA):c.497AGC[5] (p.Gln169_Arg170insGln)

Genes: RORA (RAR related orphan receptor A; minus strand), RORA-AS1 (RORA antisense RNA 1; plus strand). Cytogenetic location: 15q22.2.
Variant type: Microsatellite.
Coding change: c.497AGC[5] on transcript NM_134261.3 (MANE Select); five copies in a row of the 3-base unit AGC starting at c.497; the reference has four copies in a row; one copy, 3 bases duplicated; also written c.506_508dup.
Protein change: p.Gln169_Arg170insGln.
Molecular consequence: inframe insertion.
Genome position (GRCh38, 1-based): chr15:60,511,538-60,511,540, GCT duplicated on the plus strand (AGC on the coding strand, the reverse complement: RORA is on the minus strand); duplicating any 3 consecutive bases within chr15:60,511,538-60,511,551 gives the same sequence; the position shown is the placement nearest the transcript's 3' end. VCF-style (leftmost placement, unchanged base first): chr15-60511537-C-CGCT. GRCh37 (hg19) VCF-style: chr15-60803736-C-CGCT.
Other names: c.572AGC[5], p.Gln194_Arg195insGln (NM_002943.4); c.596AGC[5], p.Gln202_Arg203insGln (NM_134260.3); c.332AGC[5], p.Gln114_Arg115insGln (NM_134262.3); c.506_508dupAGC (NM_134261.3); c.506_508dup (NM_134261.2).
Identifiers: ClinVar variation 3233699 (VCV003233699.3), dbSNP rs775294989, ClinGen allele CA2181253410.
Genomic context (GRCh38, chr15:60,511,537, plus strand): 5'-GCCGAGATGTTGTAGGTGGGCGTCAGCGGCTCAGCCTCTCCAGGCTGCTGCTGGTGGTCG[C>CGCT]GCTGCTGCTGCTGCATCCGGTGTTTCTGTACTTCTGCATACAAGCTGTCTCTCTGCTTTT-3'